The following is an entry in ClinVar:

NM_133459.4(CCBE1):c.683_684insT (p.Leu229fs)

Gene: CCBE1 (collagen and calcium binding EGF domains 1; minus strand). Cytogenetic location: 18q21.32.
Variant type: Insertion.
Coding change: c.683_684insT on transcript NM_133459.4 (MANE Select); coding-DNA positions 683 to 684, T inserted.
Protein change: p.Leu229fs; shifts the reading frame from leucine 229.
Molecular consequence: frameshift variant.
Genome position: GRCh38 VCF-style: chr18-59448074-G-GA. GRCh37 (hg19) VCF-style: chr18-57115306-G-GA.
Other names: c.683_684insT, p.Leu229fs (LRG_1209t1); short protein forms L229fs.
Identifiers: ClinVar variation 448 (VCV000000448.11), dbSNP rs563023244, ClinGen allele CA278006.
Genomic context (GRCh38, chr18:59,448,074, plus strand): 5'-AGGTCCTGGAAGGTAGGTGTTTGAGGCCAGCACCTTGTCACCAGTGATATACTTGCCCAG[G>GA]TCAGCTGCATTGTTGGGGAGCAGAGCAATCTGCAAGGAGAAGAGGAAGCCTCAGTCAGGA-3'

ClinVar aggregate classification (germline): Pathogenic. Review status: criteria provided, multiple submitters, no conflicts (2 of 4 stars). 6 submissions from 6 submitters: Pathogenic (3). 3 of the submissions do not count toward it. Last evaluated 2026-07-21.

Conditions:
CCBE1-related disorder. Also called: CCBE1-related condition.
Hennekam lymphangiectasia-lymphedema syndrome 1 (HKLLS1). Also called: LYMPHATIC DYSPLASIA, GENERALIZED. Identifiers: Orphanet 2136, MedGen C4012050, MONDO:0009337, OMIM 235510.

Allele frequency attached by ClinVar (database versions not stated): ExAC 0.00005; gnomAD exomes 0.00006 and 0.00009; gnomAD 0.00007; TOPMed 0.00012.

Submissions (6):

PreventionGenetics, part of Exact Sciences
Classification: Pathogenic for CCBE1-related condition. Last evaluated: 2026-07-21. Review status: criteria provided, single submitter. Criteria: ACMG Guidelines, 2015. Collection method: clinical testing. Allele origin: germline.
Comment: The CCBE1 c.683_684insT variant is predicted to result in a frameshift and premature protein termination (p.Leu229Profs*8). This variant has been reported in the compound heterozygous state in multiple individuals with Hennekam lymphangiectasia-lymphedema syndrome (Table S2, Alders et al. 2009. PubMed ID: 19935664; Melber et al. 2018. PubMed ID: 30564329; Kaut et al. 2021. PubMed ID: 34176065). This variant is reported in 0.012% of alleles in individuals of European (non-Finnish) descent in gnomAD. This variant is reported in 0.012% of alleles in individuals of European (Non-Finnish) descent in gnomAD. Frameshift variants in CCBE1 are expected to be pathogenic. This variant is interpreted as pathogenic.

Labcorp Genetics (formerly Invitae), Labcorp
Classification: Pathogenic. Last evaluated: 2025-12-24. Review status: criteria provided, single submitter. Criteria: Invitae Variant Classification Sherloc (09022015). Collection method: clinical testing. Allele origin: germline.
Comment: This sequence change creates a premature translational stop signal (p.Leu229Profs*8) in the CCBE1 gene. It is expected to result in an absent or disrupted protein product. Loss-of-function variants in CCBE1 are known to be pathogenic (PMID: 19935664, 21778431, 26686525). This variant is present in population databases (rs563023244, gnomAD 0.01%). This premature translational stop signal has been observed in individual(s) with clinical features of Hennekam lymphangiectasia-lymphedema syndrome (PMID: 19935664, 28073151). ClinVar contains an entry for this variant (Variation ID: 448). For these reasons, this variant has been classified as Pathogenic.

Blueprint Genetics
Classification: Pathogenic for CCBE1-related disorders. Last evaluated: 2023-12-04. Review status: criteria provided, single submitter. Criteria: ACMG Guidelines, 2015. Collection method: clinical testing. Allele origin: germline. Affected: yes. Observed: 5 variant alleles.

OMIM
Classification: Pathogenic for HENNEKAM LYMPHANGIECTASIA-LYMPHEDEMA SYNDROME 1. Last evaluated: 2009-12-01. Review status: no assertion criteria provided. Collection method: literature only. Allele origin: germline. Not counted in ClinVar's aggregate classification.

Clinical Genetics DNA and cytogenetics Diagnostics Lab, Erasmus MC, Erasmus Medical Center
Classification: Pathogenic. Review status: no assertion criteria provided. Collection method: clinical testing. Allele origin: germline. Affected: yes. Study: VKGL Data-share Consensus. Not counted in ClinVar's aggregate classification.

Clinical Genetics, Academic Medical Center
Classification: Pathogenic. Review status: no assertion criteria provided. Collection method: clinical testing. Allele origin: germline. Affected: yes. Study: VKGL Data-share Consensus. Not counted in ClinVar's aggregate classification.

Literature cited by the submitters: PubMed 19935664 (cited by Labcorp Genetics (formerly Invitae), Labcorp and OMIM); PubMed 21778431 (cited by Labcorp Genetics (formerly Invitae), Labcorp); PubMed 26686525 (cited by Labcorp Genetics (formerly Invitae), Labcorp); PubMed 28073151 (cited by Labcorp Genetics (formerly Invitae), Labcorp).